The following is an entry in ClinVar:

ClinVar aggregate classification (germline): Uncertain significance (1 of 4 stars; one submission).

Submission:

Ambry Genetics
Classification: Uncertain significance. Last evaluated: 2022-11-18. Review status: criteria provided, single submitter. Criteria: Ambry Variant Classification Scheme 2023. Collection method: clinical testing. Allele origin: germline.
Comment: The p.M1939R variant (also known as c.5816T>G), located in coding exon 8 of the ALPK2 gene, results from a T to G substitution at nucleotide position 5816. The methionine at codon 1939 is replaced by arginine, an amino acid with similar properties. This amino acid position is conserved. In addition, this alteration is predicted to be tolerated by in silico analysis. Since supporting evidence is limited at this time, the clinical significance of this alteration remains unclear.

NM_052947.4(ALPK2):c.5816T>G (p.Met1939Arg)

Gene: ALPK2 (alpha kinase 2; minus strand). Cytogenetic location: 18q21.31.
Variant type: single nucleotide variant.
Coding change: c.5816T>G on transcript NM_052947.4 (MANE Select); coding-DNA position 5816, T replaced by G.
Protein change: p.Met1939Arg; replaces methionine 1939 with arginine.
Molecular consequence: missense variant.
Genome position (GRCh38, 1-based): chr18:58,517,032, A>C on the plus strand (T>G on the coding strand, the complement: ALPK2 is on the minus strand). VCF-style: chr18-58517032-A-C. GRCh37 (hg19) VCF-style: chr18-56184264-A-C.
Other names: short protein forms M1939R.
Identifiers: ClinVar variation 2449203 (VCV002449203.2), dbSNP rs2518862819, ClinGen allele CA402548689.